The following is an entry in ClinVar:

ClinVar aggregate classification (germline): Benign/Likely benign. Review status: criteria provided, multiple submitters, no conflicts (2 of 4 stars). 2 submissions from 2 submitters: Benign (1); Likely benign (1). Last evaluated 2025-11-13.

Conditions:
MYH7B-related disorder. Also called: MYH7B-related condition.

Allele frequency attached by ClinVar (database versions not stated): gnomAD 0.00011 and below 0.00001; 1000 Genomes Project 30x 0.00031; ExAC 0.00033; gnomAD exomes 0.00037; 1000 Genomes Project 0.00040; TOPMed 0.00002.
gnomAD v4.1: 252 of 1,612,856 alleles (0.016%); highest among the groups gnomAD compares: South Asian, 0.26%; 2 homozygotes.

Submissions (2):

PreventionGenetics, part of Exact Sciences
Classification: Likely benign for MYH7B-related condition. Last evaluated: 2025-11-13. Review status: criteria provided, single submitter. Criteria: ACMG Guidelines, 2015. Collection method: clinical testing. Allele origin: germline.
Comment: This variant is classified as likely benign based on ACMG/AMP sequence variant interpretation guidelines (Richards et al. 2015 PMID: 25741868, with internal and published modifications).

Labcorp Genetics (formerly Invitae), Labcorp
Classification: Benign. Last evaluated: 2024-02-17. Review status: criteria provided, single submitter. Criteria: Invitae Variant Classification Sherloc (09022015). Collection method: clinical testing. Allele origin: germline.

NM_020884.7(MYH7B):c.2079C>T (p.Ala693=)

Gene: MYH7B (myosin heavy chain 7B; plus strand). Cytogenetic location: 20q11.22.
Variant type: single nucleotide variant.
Coding change: c.2079C>T on transcript NM_020884.7 (MANE Select); coding-DNA position 2079, C replaced by T.
Protein change: p.Ala693=; no amino-acid change (alanine 693 retained).
Molecular consequence: synonymous variant.
Genome position (GRCh38, 1-based): chr20:34,991,017, C>T. VCF-style: chr20-34991017-C-T. GRCh37 (hg19) VCF-style: chr20-33578820-C-T.
Identifiers: ClinVar variation 744472 (VCV000744472.10), dbSNP rs545534265, ClinGen allele CA9827225.